The following continues an entry in ClinVar:

NM_000257.4(MYH7):c.1208G>A (p.Arg403Gln)

Gene: MYH7. ClinVar aggregate classification (germline): Pathogenic. Pathogenic (1).

Submissions 6 to 16 of 25:

3billion
Classification: Pathogenic for Hypertrophic cardiomyopathy 1. Last evaluated: 2024-04-01. Review status: criteria provided, single submitter. Criteria: ACMG Guidelines, 2015. Collection method: clinical testing. Allele origin: germline. Affected: yes. Not counted in ClinVar's aggregate classification.
Comment: The variant is not observed in the gnomAD v2.1.1 dataset. Predicted Consequence/Location: The variant is located in a mutational hot spot and/or well-established functional domain in which established pathogenic variants have been reported (PMID: 29300372). Functional studies provide strong evidence of the variant having a damaging effect on the gene or gene product (PMID: 8614836). In silico tool predictions suggest damaging effect of the variant on gene or gene product [REVEL: 0.89 (>=0.6, sensitivity 0.68 and specificity 0.92); 3Cnet: 0.90 (>=0.6, sensitivity 0.72 and precision 0.9)]. Same nucleotide change resulting in same amino acid change has been previously reported as pathogenic/likely pathogenic with strong evidence (ClinVar ID: VCV000014087 /PMID: 1975517).The variant has been observed in multiple (>3) similarly affected unrelated individuals (PMID: 10725281, 12707239, 12975413, 1638703, 1975517, 20800588, 24268868, 27532257, 30297972, 7789380).The variant has been reported to co-segregate with the disease in at least 7 similarly affected relatives/individuals in at least two unrelated families (PMID: 10725281, 12707239, 12975413, 1638703, 1975517, 20800588, 24268868, 27532257, 30297972, 7789380).Different missense changes at the same codon (p.Arg403Gly, p.Arg403Leu, p.Arg403Pro, p.Arg403Trp) have been reported as pathogenic/likely pathogenic with strong evidence (ClinVar ID: VCV000014101, VCV000014102, VCV000505562 /PMID: 27532257, 29447731, 8254035). Therefore, this variant is classified as Pathogenic according to the recommendation of ACMG/AMP guideline.

CeGaT Center for Human Genetics Tuebingen
Classification: Pathogenic. Last evaluated: 2023-12-01. Review status: criteria provided, single submitter. Criteria: CeGaT Center For Human Genetics Tuebingen Variant Classification Criteria Version 2. Collection method: clinical testing. Allele origin: germline. Affected: yes. Observed: 1 variant allele. Not counted in ClinVar's aggregate classification.
Comment: MYH7: PP1:Strong, PM1, PM2, PM5, PS4:Moderate, PP3, PS3:Supporting

GeneDx
Classification: Pathogenic. Last evaluated: 2023-06-26. Review status: criteria provided, single submitter. Criteria: GeneDx Variant Classification Process June 2021. Collection method: clinical testing. Allele origin: germline. Affected: yes. Not counted in ClinVar's aggregate classification.
Comment: Not observed at significant frequency in large population cohorts (gnomAD); Expression of p.(R403Q) in a transgenic mouse model and subsequent functional studies of mutant myosin heavy chain confirmed the pathogenicity of this variant and suggested that this variant may perturb normal kinetic and mechanic assembly and function of cardiac myosin with a gain-of-function effect (Tyska et al., 2000; Yamashita et al., 2000; Debold et al., 2007); At the protein level, in silico analysis supports that this missense variant has a deleterious effect on protein structure/function; At the mRNA level, in silico analysis suggests this variant may impact gene splicing. In the absence of RNA/functional studies, the actual effect of this sequence change is unknown.; This variant is associated with the following publications: (PMID: 23751935, 9826622, 10606622, 15001446, 10066683, 17987111, 18480046, 17351073, 28166811, 20031618, 7873324, 29300372, 31783775, 31513939, 34542152, 24928957, 22735528, 18565996, 20811150, 9884344, 22213221, 11227787, 9172070, 8614836, 26601291, 24268868, 27247418, 21310275, 27532257, 15358028, 1638703, 10764406, 29212898, 30508693, 31006259, 32284968, 30847666, 8281650, 33906374, 9183600, 33012304, 33673806, 32746448, 32894683, 35626289, 28193612, 35288587, 10882745, 1975517)

Ambry Genetics
Classification: Pathogenic for Cardiovascular phenotype. Last evaluated: 2023-04-11. Review status: criteria provided, single submitter. Criteria: Ambry Variant Classification Scheme 2023. Collection method: clinical testing. Allele origin: germline. Not counted in ClinVar's aggregate classification.
Comment: The p.R403Q pathogenic mutation (also known as c.1208G>A), located in coding exon 11 of the MYH7 gene, results from a G to A substitution at nucleotide position 1208. The arginine at codon 403 is replaced by glutamine, an amino acid with highly similar properties. This alteration is located in the myosin head domain, which contains a statistically significant clustering of pathogenic missense variants (Homburger JR et al. Proc Natl Acad Sci U S A, 2016 06;113:6701-6; Walsh R et al. Genet Med, 2017 02;19:192-203; Ambry internal data). This alteration has been reported in numerous individuals with hypertrophic cardiomyopathy (HCM) and is has been associated with severe, early onset phenotype (Van Driest SL et al. J. Am. Coll. Cardiol., 2004 Aug;44:602-10; Kaski JP et al. Circ Cardiovasc Genet, 2009 Oct;2:436-41; Homburger JR et al. Proc. Natl. Acad. Sci. U.S.A., 2016 06;113:6701-6; Walsh R et al. Genet. Med., 2017 Feb;19:192-203). Segregation of this alteration with disease has been observed across multiple families (Geisterfer-Lowrance AA et al. Cell, 1990 Sep;62:999-1006; Epstein ND et al. Circulation, 1992 Aug;86:345-52; Woo A et al. Heart, 2003 Oct;89:1179-85). Many functional studies have demonstrated that this alteration results in enhanced force production in the sarcomere (Tyska MJ et al. Circ. Res., 2000 Apr;86:737-44; Yamashita H et al. J. Biol. Chem., 2000 Sep;275:28045-52; Chuan P et al. Biophys. J., 2012 Jun;102:2782-90; Lowey S et al. J. Biol. Chem., 2013 May;288:14780-7; Witjas-Paalberends ER et al. J. Physiol. (Lond.), 2014 Aug;592:3257-72). This variant is considered to be rare based on population cohorts in the Genome Aggregation Database (gnomAD). In addition, this alteration is predicted to be deleterious by in silico analysis. Based on the supporting evidence, this alteration is interpreted as a disease-causing mutation.

Blueprint Genetics
Classification: Pathogenic for MYH7-related disorders. Last evaluated: 2022-03-25. Review status: criteria provided, single submitter. Criteria: ACMG Guidelines, 2015. Collection method: clinical testing. Allele origin: germline. Affected: yes. Observed: 2 variant alleles. Not counted in ClinVar's aggregate classification.

CHEO Genetics Diagnostic Laboratory, Children's Hospital of Eastern Ontario
Classification: Pathogenic for Cardiomyopathy. Last evaluated: 2022-03-09. Review status: criteria provided, single submitter. Criteria: ACMG Guidelines, 2015. Collection method: clinical testing. Allele origin: germline. Not counted in ClinVar's aggregate classification.

Fulgent Genetics
Classification: Pathogenic for MYH7-related skeletal myopathy; Myosin storage myopathy; Hypertrophic cardiomyopathy 1; Myopathy, myosin storage, autosomal recessive; Congenital myopathy 4A, autosomal dominant; Dilated cardiomyopathy 1S. Last evaluated: 2021-10-15. Review status: criteria provided, single submitter. Criteria: ACMG Guidelines, 2015. Collection method: clinical testing. Allele origin: unknown. Not counted in ClinVar's aggregate classification.

Center for Human Genetics, University of Leuven
Classification: Pathogenic for Hypertrophic cardiomyopathy. Last evaluated: 2018-10-31. Review status: criteria provided, single submitter. Criteria: ACMG Guidelines, 2015. Collection method: clinical testing. Allele origin: de novo. Affected: yes. Not counted in ClinVar's aggregate classification.

Phosphorus, Inc.
Classification: Pathogenic for Hypertrophic cardiomyopathy 1. Last evaluated: 2017-08-01. Review status: criteria provided, single submitter. Criteria: ACMG Guidelines, 2015. Collection method: clinical testing. Allele origin: germline. Observed: 1 variant allele. Not counted in ClinVar's aggregate classification.

ARUP Laboratories, Molecular Genetics and Genomics, ARUP Laboratories
Classification: Pathogenic. Last evaluated: 2017-06-20. Review status: criteria provided, single submitter. Criteria: ARUP Molecular Germline Variant Investigation Process. Collection method: clinical testing. Allele origin: germline. Not counted in ClinVar's aggregate classification.
Comment: The p.Arg403Gln variant (rs121913624) is the first, and one of the most well-studied, pathogenic variants to be associated with familial hypertrophic cardiomyopathy (FHC). Segregation analysis of a large French-Canadian kinship first described in Pare et al (1961) revealed the presence of the p.Arg403Gln variant in all affected family members available for testing (Geisterfer-Lowrance 1990). Following discovery in the index family, the p.Arg403Gln variant was subsequently shown to co-segregate with FHC in three additional families (Epstein 1992 and Marian 1994). A mouse model of hypertrophic cardiomyopathy published in 1996 (Geisterfer-Lowrance et al) was generated by introducing the p.Arg403Gln variant into the murine alpha MHC locus. Mice homozygous for this variant died 7 days after birth, whereas heterozygous mice displayed cardiac dysfunction similar to human carriers (Geisterfer-Lowrance 1996). This variant was recently shown to be present at a frequency of 0.12 percent in a combined cohort of dilated and hypertrophic cardiomyopathy patients (identified in 15 out of 12,224 chromosomes; Walsh 2017) while being absent from general population databases such as 1000 Genomes, the NHLBI GO Exome Sequencing Project (ESP), and the Genome Aggregation Database (gnomAD) browser. Additionally, an expert panel has concluded that this variant meets requirements for classification as pathogenic (see link to ClinVar below).

Molecular Diagnostic Laboratory for Inherited Cardiovascular Disease, Montreal Heart Institute
Classification: Pathogenic for Primary familial hypertrophic cardiomyopathy. Last evaluated: 2017-06-16. Review status: criteria provided, single submitter. Criteria: ACMG Guidelines, 2015. Collection method: clinical testing. Allele origin: germline. Affected: yes. Not counted in ClinVar's aggregate classification.